The following is an entry in ClinVar:

NM_000376.3(VDR):c.249del (p.Cys84fs)

Gene: VDR (vitamin D receptor; minus strand). Cytogenetic location: 12q13.11.
Variant type: Deletion.
Coding change: c.249del on transcript NM_000376.3 (MANE Select); coding-DNA position 249, one base deleted (C; older notation c.249delC).
Protein change: p.Cys84fs; shifts the reading frame from cysteine 84.
Molecular consequence: frameshift variant.
Genome position (GRCh38, 1-based): chr12:47,865,075, G deleted on the plus strand (C on the coding strand, the reverse complement: VDR is on the minus strand). VCF-style (leftmost placement, unchanged base first): chr12-47865074-AG-A. GRCh37 (hg19) VCF-style: chr12-48258857-AG-A.
Other names: c.249del, p.Cys84fs (NM_001017535.2, NM_001364085.2, NM_001374661.1 and 1 more transcripts); c.399del, p.Cys134fs (NM_001017536.2); short protein forms C134fs, C84fs.
Identifiers: ClinVar variation 2839317 (VCV002839317.3), dbSNP rs2539996264, ClinGen allele CA2739271979.

ClinVar aggregate classification (germline): Pathogenic (1 of 4 stars; one submission).

Submission:

Labcorp Genetics (formerly Invitae), Labcorp
Classification: Pathogenic. Last evaluated: 2023-02-20. Review status: criteria provided, single submitter. Criteria: Invitae Variant Classification Sherloc (09022015). Collection method: clinical testing. Allele origin: germline.
Comment: This sequence change creates a premature translational stop signal (p.Cys84Valfs*6) in the VDR gene. It is expected to result in an absent or disrupted protein product. Loss-of-function variants in VDR are known to be pathogenic (PMID: 10204116, 24246681). This variant is not present in population databases (gnomAD no frequency). This variant has not been reported in the literature in individuals affected with VDR-related conditions. For these reasons, this variant has been classified as Pathogenic.

Literature cited by the submitters: PubMed 10204116; PubMed 24246681.